The following is an entry in ClinVar:

NM_012414.4(RAB3GAP2):c.3152A>G (p.Asn1051Ser)

Gene: RAB3GAP2 (RAB3 GTPase activating non-catalytic protein subunit 2; minus strand). Cytogenetic location: 1q41.
Variant type: single nucleotide variant.
Coding change: c.3152A>G on transcript NM_012414.4 (MANE Select); coding-DNA position 3152, A replaced by G.
Protein change: p.Asn1051Ser; replaces asparagine 1051 with serine.
Molecular consequence: missense variant.
Genome position (GRCh38, 1-based): chr1:220,164,735, T>C on the plus strand (A>G on the coding strand, the complement: RAB3GAP2 is on the minus strand). VCF-style: chr1-220164735-T-C. GRCh37 (hg19) VCF-style: chr1-220338077-T-C.
Other names: short protein forms N1051S.
Identifiers: ClinVar variation 2930792 (VCV002930792.3), dbSNP rs2528630375, ClinGen allele CA344633774.
Genomic context (GRCh38, chr1:220,164,735, plus strand): 5'-TAAATCAGGAAGCCTCTTTTAGATCAAACAGTGATGTTTCTAACATCTGTTTACTTACCA[T>C]TTTGAACATGTGCATTAAATATTTGCTTCAAGTGTTCTATTGACCTAACAAAAAAACGTG-3'
Protein context (NP_036546.2, residues 1041-1061): LKQIFNAHVQ[Asn1051Ser]GIALMMWNTF

ClinVar aggregate classification (germline): Uncertain significance (1 of 4 stars; one submission).

Conditions:
Martsolf syndrome (MARTS). Also called: Congenital cataract with intellectual disability and hypogonadotropic hypogonadism syndrome. Identifiers: Orphanet 1387, MedGen C0796037, MONDO:0023910.
Warburg micro syndrome 2 (WARBM2). Also called: MICRO SYNDROME 2. Identifiers: Orphanet 2510, MedGen C3280214, MONDO:0013641, OMIM 614225.

Submission:

Labcorp Genetics (formerly Invitae), Labcorp
Classification: Uncertain significance for Martsolf syndrome; Warburg micro syndrome 2. Last evaluated: 2022-11-17. Review status: criteria provided, single submitter. Criteria: Invitae Variant Classification Sherloc (09022015). Collection method: clinical testing. Allele origin: germline.
Comment: In summary, the available evidence is currently insufficient to determine the role of this variant in disease. Therefore, it has been classified as a Variant of Uncertain Significance. Algorithms developed to predict the effect of sequence changes on RNA splicing suggest that this variant may disrupt the consensus splice site. Algorithms developed to predict the effect of missense changes on protein structure and function (SIFT, PolyPhen-2, Align-GVGD) all suggest that this variant is likely to be tolerated. This variant has not been reported in the literature in individuals affected with RAB3GAP2-related conditions. This variant is not present in population databases (gnomAD no frequency). This sequence change replaces asparagine, which is neutral and polar, with serine, which is neutral and polar, at codon 1051 of the RAB3GAP2 protein (p.Asn1051Ser).